The following is an entry in ClinVar:

NM_000368.5(TSC1):c.1024C>T (p.Pro342Ser)

Gene: TSC1 (TSC complex subunit 1; minus strand). Cytogenetic location: 9q34.13.
Variant type: single nucleotide variant.
Coding change: c.1024C>T on transcript NM_000368.5 (MANE Select); coding-DNA position 1024, C replaced by T.
Protein change: p.Pro342Ser; replaces proline 342 with serine.
Molecular consequence: missense variant.
Genome position (GRCh38, 1-based): chr9:132,911,458, G>A on the plus strand (C>T on the coding strand, the complement: TSC1 is on the minus strand). VCF-style: chr9-132911458-G-A. GRCh37 (hg19) VCF-style: chr9-135786845-G-A.
Other names: c.1024C>T, p.Pro342Ser (NM_001406599.1, NM_001406600.1, NM_001406601.1 and 16 more transcripts); c.661C>T, p.Pro221Ser (NM_001406618.1, NM_001406619.1, NM_001406620.1 and 10 more transcripts); c.73C>T, p.Pro25Ser (NM_001406626.1, NM_001406627.1, NM_001406628.1); c.871C>T, p.Pro291Ser (NM_001162427.2, NM_001406610.1, NM_001406611.1 and 2 more transcripts); c.-70C>T (NM_001406629.1, NM_001406630.1); short protein forms P291S, P221S, P25S, P342S.
Identifiers: ClinVar variation 1769059 (VCV001769059.6), dbSNP rs1304291054, ClinGen allele CA375368408.

ClinVar aggregate classification (germline): Conflicting classifications of pathogenicity. Review status: criteria provided, conflicting classifications (1 of 4 stars). 3 submissions from 3 submitters: Uncertain significance (2); Benign (1). Last evaluated 2025-07-03.

Conditions:
Tuberous sclerosis 1 (TSC1). Identifiers: Orphanet 805, MedGen C1854465, MONDO:0008612, OMIM 191100.
Tuberous sclerosis syndrome (TSC). Also called: Tuberous Sclerosis Complex; Tuberous sclerosis. Identifiers: Orphanet 805, MedGen C0041341, MONDO:0001734.
Hereditary cancer-predisposing syndrome. Also called: Tumor predisposition; Neoplastic Syndromes, Hereditary; Hereditary Cancer Syndrome; Hereditary neoplastic syndrome. Identifiers: Orphanet 140162, MedGen C0027672, MeSH D009386, MONDO:0015356.

gnomAD v4.1: 1 of 1,610,486 alleles (0.000062%); highest among the groups gnomAD compares: African/African-American, 0.0013%; no homozygotes.

Submissions (3):

Color Diagnostics, LLC DBA Color Health
Classification: Uncertain significance for Tuberous sclerosis syndrome. Last evaluated: 2025-07-03. Review status: criteria provided, single submitter. Criteria: ACMG Guidelines, 2015. Collection method: clinical testing. Allele origin: germline.
Comment: This missense variant replaces proline with serine at codon 342 of the TSC1 protein. Computational prediction suggests that this variant may not impact protein structure and function. To our knowledge, functional studies have not been reported for this variant. This variant has not been reported in individuals affected with TSC1-related disorders in the literature. This variant has been identified in 1/251326 chromosomes in the general population by the Genome Aggregation Database (gnomAD). The available evidence is insufficient to determine the role of this variant in disease conclusively. Therefore, this variant is classified as a Variant of Uncertain Significance.

Labcorp Genetics (formerly Invitae), Labcorp
Classification: Benign for Tuberous sclerosis 1. Last evaluated: 2025-02-12. Review status: criteria provided, single submitter. Criteria: Invitae Variant Classification Sherloc (09022015). Collection method: clinical testing. Allele origin: germline.

Ambry Genetics
Classification: Uncertain significance for Hereditary cancer-predisposing syndrome. Last evaluated: 2024-03-06. Review status: criteria provided, single submitter. Criteria: Ambry Variant Classification Scheme 2023. Collection method: clinical testing. Allele origin: germline.
Comment: The p.P342S variant (also known as c.1024C>T), located in coding exon 8 of the TSC1 gene, results from a C to T substitution at nucleotide position 1024. The proline at codon 342 is replaced by serine, an amino acid with similar properties. This amino acid position is not well conserved in available vertebrate species. In addition, the in silico prediction for this alteration is inconclusive. Since supporting evidence is limited at this time, the clinical significance of this alteration remains unclear.